The following is an entry in ClinVar:

NM_000179.3(MSH6):c.2492C>G (p.Pro831Arg)

Gene: MSH6 (mutS homolog 6; plus strand). Cytogenetic location: 2p16.3.
Variant type: single nucleotide variant.
Coding change: c.2492C>G on transcript NM_000179.3 (MANE Select); coding-DNA position 2492, C replaced by G.
Protein change: p.Pro831Arg; replaces proline 831 with arginine.
Molecular consequence: missense variant. On other transcripts: non-coding transcript variant (5), intron variant (3).
Genome position (GRCh38, 1-based): chr2:47,800,475, C>G. VCF-style: chr2-47800475-C-G. GRCh37 (hg19) VCF-style: chr2-48027614-C-G.
Other names: c.2492C>G, p.Pro831Arg (NM_001406809.1, NM_001406808.1, NM_001406796.1 and 2 more transcripts); c.2195C>G, p.Pro732Arg (NM_001406830.1, NM_001406828.1, NM_001406797.1 and 10 more transcripts); c.1586C>G, p.Pro529Arg (NM_001406815.1, NM_001406816.1, NM_001406811.1 and 6 more transcripts); c.2308+184C>G (NM_001406803.1); c.1606+886C>G (NM_001406817.1); c.2498C>G, p.Pro833Arg (NM_001406813.1); c.1967C>G, p.Pro656Arg (NM_001406807.1, NM_001406799.1, NM_001406806.1); c.628-191C>G (NM_001407362.1); and 4 more; short protein forms P656R, P732R, P775R, P529R, P701R, P805R, P831R, P833R.
Identifiers: ClinVar variation 2855829 (VCV002855829.3), dbSNP rs1558665602, ClinGen allele CA346754214.

ClinVar aggregate classification (germline): Uncertain significance (1 of 4 stars; one submission).

Conditions:
Hereditary nonpolyposis colorectal neoplasms. Identifiers: MedGen C0009405, MeSH D003123.

Submission:

Labcorp Genetics (formerly Invitae), Labcorp
Classification: Uncertain significance for Hereditary nonpolyposis colorectal neoplasms. Last evaluated: 2023-04-20. Review status: criteria provided, single submitter. Criteria: Invitae Variant Classification Sherloc (09022015). Collection method: clinical testing. Allele origin: germline.
Comment: In summary, the available evidence is currently insufficient to determine the role of this variant in disease. Therefore, it has been classified as a Variant of Uncertain Significance. Advanced modeling of protein sequence and biophysical properties (such as structural, functional, and spatial information, amino acid conservation, physicochemical variation, residue mobility, and thermodynamic stability) performed at Invitae indicates that this missense variant is not expected to disrupt MSH6 protein function. This variant has not been reported in the literature in individuals affected with MSH6-related conditions. This variant is not present in population databases (gnomAD no frequency). This sequence change replaces proline, which is neutral and non-polar, with arginine, which is basic and polar, at codon 831 of the MSH6 protein (p.Pro831Arg).